The following is an entry in ClinVar:

NM_012079.6(DGAT1):c.69_82dup (p.Glu28fs)

Gene: DGAT1 (diacylglycerol O-acyltransferase 1; minus strand). Cytogenetic location: 8q24.3.
Variant type: Duplication.
Coding change: c.69_82dup on transcript NM_012079.6 (MANE Select); coding-DNA positions 69 to 82, 14 bases duplicated (GCCTGCGGCGGCGG).
Protein change: p.Glu28fs; shifts the reading frame from glutamic acid 28.
Molecular consequence: frameshift variant.
Genome position (GRCh38, 1-based): chr8:144,326,555-144,326,568, CCGCCGCCGCAGGC duplicated on the plus strand (GCCTGCGGCGGCGG on the coding strand, the reverse complement: DGAT1 is on the minus strand); duplicating any 14 consecutive bases within chr8:144,326,555-144,326,578 gives the same sequence; the c. name uses the placement nearest the transcript's 3' end. VCF-style (leftmost placement, unchanged base first): chr8-144326554-T-TCCGCCGCCGCAGGC. GRCh37 (hg19) VCF-style: chr8-145550217-T-TCCGCCGCCGCAGGC.
Other names: short protein forms E28fs.
Identifiers: ClinVar variation 2788681 (VCV002788681.3), dbSNP rs1328127456, ClinGen allele CA848850273.

ClinVar aggregate classification (germline): Pathogenic (1 of 4 stars; one submission).

Submission:

Labcorp Genetics (formerly Invitae), Labcorp
Classification: Pathogenic. Last evaluated: 2024-01-31. Review status: criteria provided, single submitter. Criteria: Invitae Variant Classification Sherloc (09022015). Collection method: clinical testing. Allele origin: germline.
Comment: This sequence change creates a premature translational stop signal (p.Glu28Glyfs*44) in the DGAT1 gene. It is expected to result in an absent or disrupted protein product. Loss-of-function variants in DGAT1 are known to be pathogenic (PMID: 29604290). This variant is not present in population databases (gnomAD no frequency). This variant has not been reported in the literature in individuals affected with DGAT1-related conditions. For these reasons, this variant has been classified as Pathogenic.

Literature cited by the submitters: PubMed 29604290.